The following is an entry in ClinVar:

NM_000051.4(ATM):c.2473T>G (p.Phe825Val)

Gene: ATM (ATM serine/threonine kinase; plus strand). Cytogenetic location: 11q22.3.
Variant type: single nucleotide variant.
Coding change: c.2473T>G on transcript NM_000051.4 (MANE Select); coding-DNA position 2473, T replaced by G.
Protein change: p.Phe825Val; replaces phenylalanine 825 with valine.
Molecular consequence: missense variant.
Genome position (GRCh38, 1-based): chr11:108,267,177, T>G. VCF-style: chr11-108267177-T-G. GRCh37 (hg19) VCF-style: chr11-108137904-T-G.
Other names: c.2473T>G, p.Phe825Val (NM_001351834.2); short protein forms F825V.
Identifiers: ClinVar variation 864006 (VCV000864006.10), dbSNP rs2081300268, ClinGen allele CA382543127.

ClinVar aggregate classification (germline): Conflicting classifications of pathogenicity. Review status: criteria provided, conflicting classifications (1 of 4 stars). 2 submissions from 2 submitters: Uncertain significance (1); Likely benign (1). Last evaluated 2025-05-31.

Conditions:
Hereditary cancer-predisposing syndrome. Also called: Tumor predisposition; Hereditary Cancer Syndrome; Neoplastic Syndromes, Hereditary; Hereditary neoplastic syndrome. Identifiers: Orphanet 140162, MedGen C0027672, MeSH D009386, MONDO:0015356.
Ataxia-telangiectasia syndrome (AT). Also called: LOUIS-BAR SYNDROME; Ataxia telangiectasia (A-T); Ataxia-telangiectasia, complementation group D; Cerebello-oculocutaneous telangiectasia; Immunodeficiency with ataxia telangiectasia; Ataxia-telangiectasia. Identifiers: Orphanet 100, MedGen C0004135, MONDO:0008840, OMIM 208900.

Allele frequency attached by ClinVar (database versions not stated): gnomAD exomes below 0.00001.
gnomAD v4.1: 1 of 1,613,978 alleles (0.000062%); highest among the groups gnomAD compares: Non-Finnish European, 0.000085%; no homozygotes.

Submissions (2):

Ambry Genetics
Classification: Likely benign for Hereditary cancer-predisposing syndrome. Last evaluated: 2025-05-31. Review status: criteria provided, single submitter. Criteria: Ambry Variant Classification Scheme 2023. Collection method: clinical testing. Allele origin: germline.

Labcorp Genetics (formerly Invitae), Labcorp
Classification: Uncertain significance for Ataxia-telangiectasia syndrome. Last evaluated: 2024-04-10. Review status: criteria provided, single submitter. Criteria: Invitae Variant Classification Sherloc (09022015). Collection method: clinical testing. Allele origin: germline.
Comment: This sequence change replaces phenylalanine, which is neutral and non-polar, with valine, which is neutral and non-polar, at codon 825 of the ATM protein (p.Phe825Val). This variant is not present in population databases (gnomAD no frequency). This variant has not been reported in the literature in individuals affected with ATM-related conditions. ClinVar contains an entry for this variant (Variation ID: 864006). An algorithm developed to predict the effect of missense changes on protein structure and function (PolyPhen-2) suggests that this variant is likely to be tolerated. In summary, the available evidence is currently insufficient to determine the role of this variant in disease. Therefore, it has been classified as a Variant of Uncertain Significance.